The following is an entry in ClinVar:

ClinVar aggregate classification (germline): Uncertain significance (1 of 4 stars; one submission).

Allele frequency attached by ClinVar (database versions not stated): gnomAD exomes below 0.00001; ExAC 0.00001.
gnomAD v4.1: 4 of 1,614,032 alleles (0.00025%); highest among the groups gnomAD compares: Non-Finnish European, 0.00034%; no homozygotes.

Submission:

Labcorp Genetics (formerly Invitae), Labcorp
Classification: Uncertain significance for Combined immunodeficiency due to DOCK8 deficiency. Last evaluated: 2023-11-20. Review status: criteria provided, single submitter. Criteria: Invitae Variant Classification Sherloc (09022015). Collection method: clinical testing. Allele origin: germline.
Comment: This sequence change replaces glycine, which is neutral and non-polar, with alanine, which is neutral and non-polar, at codon 973 of the DOCK8 protein (p.Gly973Ala). This variant is present in population databases (rs769914063, gnomAD 0.0009%). This variant has not been reported in the literature in individuals affected with DOCK8-related conditions. Advanced modeling of protein sequence and biophysical properties (such as structural, functional, and spatial information, amino acid conservation, physicochemical variation, residue mobility, and thermodynamic stability) performed at Invitae indicates that this missense variant is not expected to disrupt DOCK8 protein function with a negative predictive value of 80%. In summary, the available evidence is currently insufficient to determine the role of this variant in disease. Therefore, it has been classified as a Variant of Uncertain Significance.

NM_203447.4(DOCK8):c.2918G>C (p.Gly973Ala)

Gene: DOCK8 (dedicator of cytokinesis 8; plus strand). Cytogenetic location: 9p24.3.
Variant type: single nucleotide variant.
Coding change: c.2918G>C on transcript NM_203447.4 (MANE Select); coding-DNA position 2918, G replaced by C.
Protein change: p.Gly973Ala; replaces glycine 973 with alanine.
Molecular consequence: missense variant.
Genome position (GRCh38, 1-based): chr9:390,514, G>C. VCF-style: chr9-390514-G-C. GRCh37 (hg19) VCF-style: chr9-390514-G-C.
Other names: c.2618G>C, p.Gly873Ala (NM_001190458.2); c.2714G>C, p.Gly905Ala (NM_001193536.2); short protein forms G873A, G905A, G973A.
Identifiers: ClinVar variation 2891576 (VCV002891576.2), dbSNP rs769914063, ClinGen allele CA4958411.
Genomic context (GRCh38, chr9:390,514, plus strand): 5'-TTGTGGTTCTTATTTAGCATTTCCATGAGGAGCTTGCCCTTCAGATGGTGGTCAGCACCG[G>C]AATGGTGAGAGAAACAGTCTTCAAGTATGCCTGGTTCTTCTTTGAGCTTCTGGTGAGATT-3'
Protein context (NP_982272.2, residues 963-983): ELALQMVVST[Gly973Ala]MVRETVFKYA